The following is an entry in ClinVar:

NM_005204.4(MAP3K8):c.1177G>C (p.Glu393Gln)

Gene: MAP3K8 (mitogen-activated protein kinase kinase kinase 8; plus strand). Cytogenetic location: 10p11.23.
Variant type: single nucleotide variant.
Coding change: c.1177G>C on transcript NM_005204.4 (MANE Select); coding-DNA position 1177, G replaced by C.
Protein change: p.Glu393Gln; replaces glutamic acid 393 with glutamine.
Molecular consequence: missense variant.
Genome position (GRCh38, 1-based): chr10:30,459,405, G>C. VCF-style: chr10-30459405-G-C. GRCh37 (hg19) VCF-style: chr10-30748334-G-C.
Other names: c.1177G>C, p.Glu393Gln (NM_001244134.1, NM_001320961.2); short protein forms E393Q.
Identifiers: ClinVar variation 1373239 (VCV001373239.6), dbSNP rs2132837348, ClinGen allele CA376432443.

ClinVar aggregate classification (germline): Uncertain significance (1 of 4 stars; one submission).

Submission:

Labcorp Genetics (formerly Invitae), Labcorp
Classification: Uncertain significance. Last evaluated: 2021-08-07. Review status: criteria provided, single submitter. Criteria: Invitae Variant Classification Sherloc (09022015). Collection method: clinical testing. Allele origin: germline.
Comment: In summary, the available evidence is currently insufficient to determine the role of this variant in disease. Therefore, it has been classified as a Variant of Uncertain Significance. Algorithms developed to predict the effect of missense changes on protein structure and function are either unavailable or do not agree on the potential impact of this missense change (SIFT: "Deleterious"; PolyPhen-2: "Probably Damaging"; Align-GVGD: "Class C0"). This variant has not been reported in the literature in individuals affected with MAP3K8-related conditions. This variant is not present in population databases (ExAC no frequency). This sequence change replaces glutamic acid with glutamine at codon 393 of the MAP3K8 protein (p.Glu393Gln). The glutamic acid residue is highly conserved and there is a small physicochemical difference between glutamic acid and glutamine.